The following is an entry in ClinVar:

ClinVar aggregate classification (germline): Likely pathogenic (1 of 4 stars; one submission).

Conditions:
Complex neurodevelopmental disorder. Identifiers: Orphanet 528084, MedGen C5568766, MONDO:0100038.

Submission:

Dasa
Classification: Likely pathogenic for Complex neurodevelopmental disorder. Last evaluated: 2025-08-28. Review status: criteria provided, single submitter. Criteria: DASA Assertion Criteria. Collection method: clinical testing. Allele origin: germline.
Comment: NM_001386298.1(CIC):c.676C>T (p.Arg226*) is a nonsense variant in CIC predicted to introduce a premature termination codon and is predicted to result in an absent or altered protein product. Loss of function is an established disease mechanism for CIC (PMID: 28288114; PMID: 28263302; PMID: 22542183). Also, this variant is rare in population databases. Based on the currently available evidence, this variant is classified as likely pathogenic.

Literature cited by the submitters: PubMed 28288114; PubMed 28263302; PubMed 22542183.

NM_001386298.1(CIC):c.676C>T (p.Arg226Ter)

Gene: CIC (capicua transcriptional repressor; plus strand). Cytogenetic location: 19q13.2.
Variant type: single nucleotide variant.
Coding change: c.676C>T on transcript NM_001386298.1 (MANE Select); coding-DNA position 676, C replaced by T.
Protein change: p.Arg226Ter; replaces arginine 226 with a stop codon.
Molecular consequence: nonsense.
Genome position (GRCh38, 1-based): chr19:42,272,459, C>T. VCF-style: chr19-42272459-C-T. GRCh37 (hg19) VCF-style: chr19-42776611-C-T.
Other names: c.676C>T, p.Arg226Ter (NM_001439184.1, NM_001439185.1, NM_001439186.1 and 6 more transcripts); short protein forms R226*.
Identifiers: ClinVar variation 4884212 (VCV004884212.2).